The following is an entry in ClinVar:

ClinVar aggregate classification (germline): Uncertain significance (1 of 4 stars; one submission).

Conditions:
Ehlers-Danlos syndrome, classic type, 1 (EDSCL1). Also called: EHLERS-DANLOS SYNDROME, GRAVIS TYPE; EHLERS-DANLOS SYNDROME, SEVERE CLASSIC TYPE; Ehlers-Danlos syndrome, type 1; Ehlers-Danlos Syndrome, Classic Type, COL5A1-Related; EDS I. Identifiers: MedGen C0268335, MONDO:0019567, OMIM 130000.

Submission:

Labcorp Genetics (formerly Invitae), Labcorp
Classification: Uncertain significance for Ehlers-Danlos syndrome, classic type, 1. Last evaluated: 2023-06-01. Review status: criteria provided, single submitter. Criteria: Invitae Variant Classification Sherloc (09022015). Collection method: clinical testing. Allele origin: germline.
Comment: In summary, the available evidence is currently insufficient to determine the role of this variant in disease. Therefore, it has been classified as a Variant of Uncertain Significance. Advanced modeling of protein sequence and biophysical properties (such as structural, functional, and spatial information, amino acid conservation, physicochemical variation, residue mobility, and thermodynamic stability) performed at Invitae indicates that this missense variant is not expected to disrupt COL5A1 protein function. This variant has not been reported in the literature in individuals affected with COL5A1-related conditions. This variant is not present in population databases (gnomAD no frequency). This sequence change replaces serine, which is neutral and polar, with tryptophan, which is neutral and slightly polar, at codon 1548 of the COL5A1 protein (p.Ser1548Trp).

NM_000093.5(COL5A1):c.4643C>G (p.Ser1548Trp)

Genes: COL5A1 (collagen type V alpha 1 chain; plus strand), LOC101448202 (uncharacterized LOC101448202; minus strand). Cytogenetic location: 9q34.3.
Variant type: single nucleotide variant.
Coding change: c.4643C>G on transcript NM_000093.5 (MANE Select); coding-DNA position 4643, C replaced by G.
Protein change: p.Ser1548Trp; replaces serine 1548 with tryptophan.
Molecular consequence: missense variant.
Genome position (GRCh38, 1-based): chr9:134,823,032, C>G. VCF-style: chr9-134823032-C-G. GRCh37 (hg19) VCF-style: chr9-137714878-C-G.
Other names: c.4643C>G, p.Ser1548Trp (NM_001278074.1); short protein forms S1548W.
Identifiers: ClinVar variation 2866889 (VCV002866889.3), dbSNP rs147398633, ClinGen allele CA375458142.